The following is an entry in ClinVar:

NM_000080.4(CHRNE):c.1139G>T (p.Arg380Leu)

Genes: CHRNE (cholinergic receptor nicotinic epsilon subunit; minus strand), LOC130060040 (ATAC-STARR-seq lymphoblastoid silent region 8049; plus strand). Cytogenetic location: 17p13.2.
Variant type: single nucleotide variant.
Coding change: c.1139G>T on transcript NM_000080.4 (MANE Select); coding-DNA position 1139, G replaced by T.
Protein change: p.Arg380Leu; replaces arginine 380 with leucine.
Molecular consequence: missense variant.
Genome position (GRCh38, 1-based): chr17:4,899,278, C>A on the plus strand (G>T on the coding strand, the complement: CHRNE is on the minus strand). VCF-style: chr17-4899278-C-A. GRCh37 (hg19) VCF-style: chr17-4802573-C-A.
Other names: short protein forms R380L.
Identifiers: ClinVar variation 4701958 (VCV004701958.1).
Genomic context (GRCh38, chr17:4,899,278, plus strand): 5'-TGCCTCTGCCCCTCAAACACGAGCTCGCTCCGTGGCTTTTTCAGTATCAGCTCCTCCGCG[C>A]GGAGCAATAAGCCCACCGACGACGCCCGCCTTGGGGGCGAGGCGGCCCGGGGGGCCTCGG-3'
Protein context (NP_000071.1, residues 370-390): RRASSVGLLL[Arg380Leu]AEELILKKPR

ClinVar aggregate classification (germline): Uncertain significance (1 of 4 stars; one submission).

Conditions:
Congenital myasthenic syndrome 4A. Also called: CONGENITAL MYASTHENIC SYNDROME TYPE Ia1; Myasthenic syndrome, congenital, 4a, slow-channel; MYASTHENIC SYNDROME, CONGENITAL, 4A, SLOW-CHANNEL, AUTOSOMAL RECESSIVE. Identifiers: Orphanet 590, MedGen C4225413, MONDO:0011600, OMIM 605809.

gnomAD v4.1: 1 of 1,601,210 alleles (0.000062%); highest among the groups gnomAD compares: Admixed American, 0.0017%; no homozygotes.

Submission:

Labcorp Genetics (formerly Invitae), Labcorp
Classification: Uncertain significance for Congenital myasthenic syndrome 4A. Last evaluated: 2025-09-08. Review status: criteria provided, single submitter. Criteria: Invitae Variant Classification Sherloc (09022015). Collection method: clinical testing. Allele origin: germline.
Comment: This sequence change replaces arginine, which is basic and polar, with leucine, which is neutral and non-polar, at codon 380 of the CHRNE protein (p.Arg380Leu). The frequency data for this variant in the population databases is considered unreliable, as metrics indicate poor data quality at this position in the gnomAD database. This variant has not been reported in the literature in individuals affected with CHRNE-related conditions. Invitae Evidence Modeling of protein sequence and biophysical properties (such as structural, functional, and spatial information, amino acid conservation, physicochemical variation, residue mobility, and thermodynamic stability) indicates that this missense variant is not expected to disrupt CHRNE protein function with a negative predictive value of 95%. In summary, the available evidence is currently insufficient to determine the role of this variant in disease. Therefore, it has been classified as a Variant of Uncertain Significance.